The following is an entry in ClinVar:

NM_000202.8(IDS):c.1264T>C (p.Cys422Arg)

Gene: IDS (iduronate 2-sulfatase; minus strand). Cytogenetic location: Xq28.
Variant type: single nucleotide variant.
Coding change: c.1264T>C on transcript NM_000202.8 (MANE Select); coding-DNA position 1264, T replaced by C.
Protein change: p.Cys422Arg; replaces cysteine 422 with arginine.
Molecular consequence: missense variant.
Genome position (GRCh38, 1-based): chrX:149,483,135, A>G on the plus strand (T>C on the coding strand, the complement: IDS is on the minus strand). VCF-style: chrX-149483135-A-G. GRCh37 (hg19) VCF-style: chrX-148564666-A-G.
Other names: c.994T>C, p.Cys332Arg (NM_001166550.4); short protein forms C422R, C332R.
Identifiers: ClinVar variation 638083 (VCV000638083.7), dbSNP rs199422229, ClinGen allele CA414518469.
Genomic context (GRCh38, chrX:149,483,135, plus strand): 5'-AATGCTTCAGAAGGTTCTTGCCTTCTCTGCACAGCTCAACGTGAAATGAAGGAACGGGGC[A>G]GCGAGGTGGAACCTGCAGTCCTGCAAGTCCAGCCAGCGTGGGAAAAAGAGACACAAGTTC-3'
Protein context (NP_000193.1, residues 412-432): GLAGLQVPPR[Cys422Arg]PVPSFHVELC

ClinVar aggregate classification (germline): Pathogenic/Likely pathogenic. Review status: criteria provided, multiple submitters, no conflicts (2 of 4 stars). 3 submissions from 3 submitters: Pathogenic (1); Likely pathogenic (2). Last evaluated 2024-06-07.

Conditions:
Mucopolysaccharidosis, MPS-II (MPS2). Also called: IDS deficiency; Sulfoiduronate sulfatase deficiency; SIDS deficiency; Mucopolysaccharidosis type 2; Attenuated MPS (subtype; formerly known as mild MPS II); Severe MPS II. Identifiers: Orphanet 580, Orphanet 79388, MedGen C0026705, MONDO:0010674, OMIM 309900.

Submissions (3):

Laboratory of Diagnosis and Therapy of Lysosomal Disorders, University of Padova
Classification: Likely pathogenic for Mucopolysaccharidosis, MPS-II. Last evaluated: 2024-06-07. Review status: criteria provided, single submitter. Criteria: ACMG Guidelines, 2015. Collection method: literature only. Allele origin: germline. Affected: yes. Observed: 4 variant alleles.
Comment: Located in a mutational hot spot and/or critical functional domain (PM1_Moderate), Absent from controls (or at low frequency) in gnomAD database (PM2_Moderate), Missense change at the same amino acid residue as a pathogenic variant (PM5_Moderate), Missense variant in a gene with a low rate of benign missense variation (PP2_Supporting), Multiple lines of computational evidence support a deleterious effect (PP3_Supporting), Patient’s phenotype or family history highly specific for the disease (PP4_Moderate)

Classification method: ACMG Guidelines [PMID:25741868] with modifications

Genome-Nilou Lab
Classification: Likely pathogenic for Mucopolysaccharidosis, MPS-II. Last evaluated: 2021-09-05. Review status: criteria provided, single submitter. Criteria: ACMG Guidelines, 2015. Collection method: clinical testing. Allele origin: germline. Affected: no.

Department of Medical Genetics, Sanjay Gandhi Post Graduate Institute of Medical Sciences
Classification: Pathogenic for Mucopolysaccharidosis, MPS-II. Review status: criteria provided, single submitter. Criteria: ACMG Guidelines, 2015. Collection method: clinical testing. Allele origin: germline. Inheritance: X-linked recessive inheritance. Affected: yes.

Literature cited by the submitters: PubMed 35144014 (cited by Laboratory of Diagnosis and Therapy of Lysosomal Disorders, University of Padova); PubMed 16495038 (cited by Laboratory of Diagnosis and Therapy of Lysosomal Disorders, University of Padova); PubMed 11683780 (cited by Laboratory of Diagnosis and Therapy of Lysosomal Disorders, University of Padova); PubMed 30809705 (cited by Laboratory of Diagnosis and Therapy of Lysosomal Disorders, University of Padova).